The following is an entry in ClinVar:

ClinVar aggregate classification (germline): Uncertain significance (1 of 4 stars; one submission).

Submission:

GeneDx
Classification: Uncertain significance. Last evaluated: 2024-04-07. Review status: criteria provided, single submitter. Criteria: GeneDx Variant Classification Process June 2021. Collection method: clinical testing. Allele origin: germline. Affected: yes.
Comment: Not observed at significant frequency in large population cohorts (gnomAD); In silico analysis supports that this missense variant has a deleterious effect on protein structure/function; Has not been previously published as pathogenic or benign to our knowledge

NM_015057.5(MYCBP2):c.4364A>G (p.Asp1455Gly)

Gene: MYCBP2 (MYC binding protein 2; minus strand). Cytogenetic location: 13q22.3.
Variant type: single nucleotide variant.
Coding change: c.4364A>G on transcript NM_015057.5 (MANE Select); coding-DNA position 4364, A replaced by G.
Protein change: p.Asp1455Gly; replaces aspartic acid 1455 with glycine.
Molecular consequence: missense variant.
Genome position (GRCh38, 1-based): chr13:77,185,951, T>C on the plus strand (A>G on the coding strand, the complement: MYCBP2 is on the minus strand). VCF-style: chr13-77185951-T-C. GRCh37 (hg19) VCF-style: chr13-77760086-T-C.
Other names: short protein forms D1455G.
Identifiers: ClinVar variation 3372165 (VCV003372165.1).